The following is an entry in ClinVar:

NR_003051.4(RMRP):n.270T>G

Gene: RMRP (RNA component of mitochondrial RNA processing endoribonuclease; minus strand). Cytogenetic location: 9p13.3.
Variant type: single nucleotide variant.
Molecular consequence: non-coding transcript variant (on NR_003051.4).
Genome position: GRCh38 VCF-style: chr9-35657750-A-C. GRCh37 (hg19) VCF-style: chr9-35657747-A-C.
Identifiers: ClinVar variation 1350269 (VCV001350269.5), dbSNP rs555390900, ClinGen allele CA5045807.

ClinVar aggregate classification (germline): Uncertain significance. Review status: criteria provided, multiple submitters, no conflicts (2 of 4 stars). 2 submissions from 2 submitters: Uncertain significance (2). Last evaluated 2025-11-24.

Conditions:
Anauxetic dysplasia. Identifiers: Orphanet 93347, MedGen C1846796, MONDO:0011773.

Allele frequency attached by ClinVar (database versions not stated): 1000 Genomes Project 30x 0.00031; ExAC 0.00162.
gnomAD v4.1: 99 of 683,168 alleles (0.014%); highest among the groups gnomAD compares: South Asian, 0.092%; 1 homozygote.

Submissions (2):

Women's Health and Genetics/Laboratory Corporation of America, LabCorp
Classification: Uncertain significance. Last evaluated: 2025-11-24. Review status: criteria provided, single submitter. Criteria: LabCorp Variant Classification Summary - May 2015. Collection method: clinical testing. Allele origin: germline.
Comment: Variant summary: RMRP n.269T>G (also known as NC_000009.11: chr9:g.35657747A>C) is located in the untranscribed region downstream of the RMRP gene region. The variant allele was found at a frequency of 0.00018 in 153690 control chromosomes, predominantly at a frequency of 0.00094 within the South Asian subpopulation in the gnomAD database. This frequency is not significantly higher than estimated for disease-causing variants in RMRP, allowing no conclusion about variant significance. To our knowledge, no occurrence of n.269T>G in individuals affected with RMRP-related conditions and no experimental evidence demonstrating its impact on protein function have been reported. No submitters have cited clinical-significance assessments for this variant to ClinVar. Based on the evidence outlined above, the variant was classified as uncertain significance.

Labcorp Genetics (formerly Invitae), Labcorp
Classification: Uncertain significance for Anauxetic dysplasia. Last evaluated: 2025-01-15. Review status: criteria provided, single submitter. Criteria: Invitae Variant Classification Sherloc (09022015). Collection method: clinical testing. Allele origin: germline.
Comment: This variant occurs in the RMRP gene, which encodes an RNA molecule that does not result in a protein product. This variant is present in population databases (rs555390900, gnomAD 0.09%). This variant has not been reported in the literature in individuals affected with RMRP-related conditions. Experimental studies and prediction algorithms are not available or were not evaluated, and the functional significance of this variant is currently unknown. In summary, the available evidence is currently insufficient to determine the role of this variant in disease. Therefore, it has been classified as a Variant of Uncertain Significance.